The following is an entry in ClinVar:

NM_000388.4(CASR):c.2104G>A (p.Val702Ile)

Gene: CASR (calcium sensing receptor; plus strand). Cytogenetic location: 3q21.1.
Variant type: single nucleotide variant.
Coding change: c.2104G>A on transcript NM_000388.4 (MANE Select); coding-DNA position 2104, G replaced by A.
Protein change: p.Val702Ile; replaces valine 702 with isoleucine.
Molecular consequence: missense variant.
Genome position (GRCh38, 1-based): chr3:122,284,058, G>A. VCF-style: chr3-122284058-G-A. GRCh37 (hg19) VCF-style: chr3-122002905-G-A.
Other names: c.2134G>A, p.Val712Ile (NM_001178065.2); c.2134G>A (NM_001178065.1); short protein forms V702I, V712I.
Identifiers: ClinVar variation 580947 (VCV000580947.16), dbSNP rs201828974, ClinGen allele CA2569781.

ClinVar aggregate classification (germline): Conflicting classifications of pathogenicity. Review status: criteria provided, conflicting classifications (1 of 4 stars). 4 submissions from 4 submitters: Uncertain significance (3); Likely benign (1). Last evaluated 2026-01-06.

Conditions:
Familial hypocalciuric hypercalcemia (FHH). Also called: Familial benign hypercalcemia. Identifiers: Orphanet 405, MedGen C1809471, MONDO:0018458.
Autosomal dominant hypocalcemia 1 (HYPOC1). Also called: HYPOCALCEMIA, FAMILIAL. Identifiers: MedGen C3715128, MONDO:0011013, OMIM 601198.
Nephrolithiasis/nephrocalcinosis. Identifiers: MedGen CN580796.
Familial hypocalciuric hypercalcemia 1. Also called: Hypercalcemia, familial benign type 1. Identifiers: Orphanet 405, Orphanet 93372, MedGen C0342637, MONDO:0007791, OMIM 145980.
Epilepsy, idiopathic generalized, susceptibility to, 8. Identifiers: MedGen C2752062, MONDO:0013032, OMIM 612899.
Neonatal severe primary hyperparathyroidism. Identifiers: Orphanet 417, MedGen C1832615, MONDO:0009397, OMIM 239200.
CASR-related disorder. Also called: CASR-related condition.

Allele frequency attached by ClinVar (database versions not stated): ExAC 0.00001; gnomAD exomes 0.00001 and 0.00003; TOPMed 0.00002; gnomAD 0.00003.
gnomAD v4.1: 55 of 1,614,070 alleles (0.0034%); highest among the groups gnomAD compares: Middle Eastern, 0.016%; no homozygotes.

Submissions (4):

PreventionGenetics, part of Exact Sciences
Classification: Uncertain significance for CASR-related condition. Last evaluated: 2026-01-06. Review status: criteria provided, single submitter. Criteria: ACMG Guidelines, 2015. Collection method: clinical testing. Allele origin: germline.
Comment: The CASR c.2134G>A variant is predicted to result in the amino acid substitution p.Val712Ile. To our knowledge, this variant has not been reported in the literature. This variant is reported in 0.0018% of alleles in individuals of European (Non-Finnish) descent in gnomAD. At this time, the clinical significance of this variant is uncertain due to the absence of conclusive functional and genetic evidence.

Labcorp Genetics (formerly Invitae), Labcorp
Classification: Likely benign for Familial hypocalciuric hypercalcemia; Autosomal dominant hypocalcemia 1. Last evaluated: 2025-08-27. Review status: criteria provided, single submitter. Criteria: Invitae Variant Classification Sherloc (09022015). Collection method: clinical testing. Allele origin: germline.

Fulgent Genetics
Classification: Uncertain significance for Familial hypocalciuric hypercalcemia 1; Neonatal severe primary hyperparathyroidism; Autosomal dominant hypocalcemia 1; Epilepsy, idiopathic generalized, susceptibility to, 8. Last evaluated: 2024-04-08. Review status: criteria provided, single submitter. Criteria: ACMG Guidelines, 2015. Collection method: clinical testing. Allele origin: germline.

Ambry Genetics
Classification: Uncertain significance for Nephrolithiasis/nephrocalcinosis. Last evaluated: 2022-01-19. Review status: criteria provided, single submitter. Criteria: Ambry Variant Classification Scheme 2023. Collection method: clinical testing. Allele origin: germline.
Comment: The p.V702I variant (also known as c.2104G>A), located in coding exon 6 of the CASR gene, results from a G to A substitution at nucleotide position 2104. The valine at codon 702 is replaced by isoleucine, an amino acid with highly similar properties. This amino acid position is well conserved in available vertebrate species. In addition, this alteration is predicted to be tolerated by in silico analysis. Since supporting evidence is limited at this time, the clinical significance of this alteration remains unclear.